The following is an entry in ClinVar:

ClinVar aggregate classification (germline): Pathogenic (1 of 4 stars; one submission).

Conditions:
Fructose-biphosphatase deficiency (FBP1D). Also called: Fructose 1,6 Bisphosphatase Deficiency; Fructose-1,6-Bisphosphatase 1 Deficiency; Fructose-1,6-Diphosphatase Deficiency. Identifiers: Orphanet 348, MedGen C0016756, MONDO:0009251, OMIM 229700.

Submission:

Labcorp Genetics (formerly Invitae), Labcorp
Classification: Pathogenic for Fructose-biphosphatase deficiency. Last evaluated: 2023-06-20. Review status: criteria provided, single submitter. Criteria: Invitae Variant Classification Sherloc (09022015). Collection method: clinical testing. Allele origin: germline.
Comment: For these reasons, this variant has been classified as Pathogenic. This variant has not been reported in the literature in individuals affected with FBP1-related conditions. This variant is not present in population databases (gnomAD no frequency). This sequence change creates a premature translational stop signal (p.Met19Ilefs*51) in the FBP1 gene. It is expected to result in an absent or disrupted protein product. Loss-of-function variants in FBP1 are known to be pathogenic (PMID: 9382095, 19259699, 27101822).

Literature cited by the submitters: PubMed 9382095; PubMed 19259699; PubMed 27101822.

NM_000507.4(FBP1):c.56dup (p.Met19fs)

Gene: FBP1 (fructose-bisphosphatase 1; minus strand). Cytogenetic location: 9q22.32.
Variant type: Duplication.
Coding change: c.56dup on transcript NM_000507.4 (MANE Select); coding-DNA position 56, one base duplicated (T; older notation c.56dupT).
Protein change: p.Met19fs; shifts the reading frame from methionine 19.
Molecular consequence: frameshift variant.
Genome position (GRCh38, 1-based): chr9:94,639,255, A duplicated on the plus strand (T on the coding strand, the reverse complement: FBP1 is on the minus strand). VCF-style (leftmost placement, unchanged base first): chr9-94639254-C-CA. GRCh37 (hg19) VCF-style: chr9-97401536-C-CA.
Other names: c.56dup, p.Met19fs (NM_001127628.2); short protein forms M19fs.
Identifiers: ClinVar variation 2719715 (VCV002719715.3), dbSNP rs2538965763, ClinGen allele CA2697557883.